The following is an entry in ClinVar:

ClinVar aggregate classification (germline): Uncertain significance. Review status: criteria provided, multiple submitters, no conflicts (2 of 4 stars). 2 submissions from 2 submitters: Uncertain significance (2). Last evaluated 2025-08-29.

Conditions:
Ichthyosis linearis circumflexa. Identifiers: MedGen C0265962, MONDO:0043106, HP:0025810.
Inborn genetic diseases. Identifiers: MedGen C0950123, MeSH D030342.

gnomAD v4.1: 5 of 1,614,140 alleles (0.00031%); highest among the groups gnomAD compares: Middle Eastern, 0.017%; no homozygotes.

Submissions (2):

Ambry Genetics
Classification: Uncertain significance for Inborn genetic diseases. Last evaluated: 2025-08-29. Review status: criteria provided, single submitter. Criteria: Ambry Variant Classification Scheme 2023. Collection method: clinical testing. Allele origin: germline.

Labcorp Genetics (formerly Invitae), Labcorp
Classification: Uncertain significance for Ichthyosis linearis circumflexa. Last evaluated: 2022-08-15. Review status: criteria provided, single submitter. Criteria: Invitae Variant Classification Sherloc (09022015). Collection method: clinical testing. Allele origin: germline.
Comment: In summary, the available evidence is currently insufficient to determine the role of this variant in disease. Therefore, it has been classified as a Variant of Uncertain Significance. Algorithms developed to predict the effect of missense changes on protein structure and function are either unavailable or do not agree on the potential impact of this missense change (SIFT: "Deleterious"; PolyPhen-2: "Probably Damaging"; Align-GVGD: "Class C0"). ClinVar contains an entry for this variant (Variation ID: 1411809). This variant has not been reported in the literature in individuals affected with SPINK5-related conditions. This variant is not present in population databases (gnomAD no frequency). This sequence change replaces cysteine, which is neutral and slightly polar, with tyrosine, which is neutral and polar, at codon 743 of the SPINK5 protein (p.Cys743Tyr).

NM_006846.4(SPINK5):c.2228G>A (p.Cys743Tyr)

Gene: SPINK5 (serine peptidase inhibitor Kazal type 5; plus strand). Cytogenetic location: 5q32.
Variant type: single nucleotide variant.
Coding change: c.2228G>A on transcript NM_006846.4 (MANE Select); coding-DNA position 2228, G replaced by A.
Protein change: p.Cys743Tyr; replaces cysteine 743 with tyrosine.
Molecular consequence: missense variant.
Genome position (GRCh38, 1-based): chr5:148,118,552, G>A. VCF-style: chr5-148118552-G-A. GRCh37 (hg19) VCF-style: chr5-147498115-G-A.
Other names: c.2228G>A, p.Cys743Tyr (NM_001127698.2, NM_001127699.2); c.2228G>A (NM_006846.3); short protein forms C743Y.
Identifiers: ClinVar variation 1411809 (VCV001411809.7), dbSNP rs1339348502, ClinGen allele CA361645359.
Genomic context (GRCh38, chr5:148,118,552, plus strand): 5'-GGGAGAGTGATCCTGTACGTGATGCTGATGGCAAATCGTACAACAATCAGTGTACCATGT[G>A]TAAAGCAAAATTGTAAGTATTTCTCTCAACAGGCATGTCTAAAATATAGTCACATTCCTC-3'
Protein context (NP_006837.2, residues 733-753): GKSYNNQCTM[Cys743Tyr]KAKLEREAER